The following is an entry in ClinVar:

ClinVar aggregate classification (germline): Benign/Likely benign. Review status: criteria provided, multiple submitters, no conflicts (2 of 4 stars). 4 submissions from 4 submitters: Benign (2); Likely benign (1). 1 of the submissions does not count toward it. Last evaluated 2026-01-24.

Conditions:
Maple syrup urine disease type 1A (MSUD1A). Also called: MSUD type 1A. Identifiers: MedGen C1855369, MONDO:0023691, OMIM 248600.
Maple syrup urine disease (MSUD). Identifiers: Orphanet 511, MedGen C0024776, MeSH D008375, MONDO:0009563. Disease mechanism: loss of function.

Allele frequency attached by ClinVar (database versions not stated): gnomAD 0.00007 and 0.00040; ESP Exome Variant Server 0.00008; TOPMed 0.00014; gnomAD exomes 0.00128; ExAC 0.00139; 1000 Genomes Project 0.00200; 1000 Genomes Project 30x 0.00203.
gnomAD v4.1: 979 of 1,614,010 alleles (0.061%); highest among the groups gnomAD compares: South Asian, 1%; 12 homozygotes.

Submissions (4):

Labcorp Genetics (formerly Invitae), Labcorp
Classification: Benign for Maple syrup urine disease. Last evaluated: 2026-01-24. Review status: criteria provided, single submitter. Criteria: Invitae Variant Classification Sherloc (09022015). Collection method: clinical testing. Allele origin: germline.

GeneDx
Classification: Benign. Last evaluated: 2018-03-05. Review status: criteria provided, single submitter. Criteria: GeneDx Variant Classification (06012015). Collection method: clinical testing. Allele origin: germline. Affected: yes.
Comment: This variant is considered likely benign or benign based on one or more of the following criteria: it is a conservative change, it occurs at a poorly conserved position in the protein, it is predicted to be benign by multiple in silico algorithms, and/or has population frequency not consistent with disease.

Illumina Laboratory Services, Illumina
Classification: Likely benign for Maple syrup urine disease type 1A. Last evaluated: 2018-01-12. Review status: criteria provided, single submitter. Criteria: ICSL Variant Classification Criteria 13 December 2019. Collection method: clinical testing. Allele origin: germline.
Comment: This variant was observed in the ICSL laboratory as part of a predisposition screen in an ostensibly healthy population. It had not been previously curated by ICSL or reported in the Human Gene Mutation Database (HGMD: prior to June 1st, 2018), and was therefore a candidate for classification through an automated scoring system. Utilizing variant allele frequency, disease prevalence and penetrance estimates, and inheritance mode, an automated score was calculated to assess if this variant is too frequent to cause the disease. Based on the score and internal cut-off values, a variant classified as likely benign is not then subjected to further curation. The score for this variant resulted in a classification of likely benign for this disease.

Natera, Inc.
Classification: Likely benign for Maple syrup urine disease type 1A. Last evaluated: 2020-01-06. Review status: no assertion criteria provided. Collection method: clinical testing. Allele origin: germline. Not counted in ClinVar's aggregate classification.

NM_000709.4(BCKDHA):c.288+10G>A

Gene: BCKDHA (branched chain keto acid dehydrogenase E1 subunit alpha; plus strand). Cytogenetic location: 19q13.2.
Variant type: single nucleotide variant.
Coding change: c.288+10G>A on transcript NM_000709.4 (MANE Select); 10 bases into the intron after coding-DNA position 288, G replaced by A.
Molecular consequence: intron variant.
Genome position (GRCh38, 1-based): chr19:41,410,826, G>A. VCF-style: chr19-41410826-G-A. GRCh37 (hg19) VCF-style: chr19-41916731-G-A.
Other names: c.288+10G>A (NM_001164783.2).
Identifiers: ClinVar variation 329360 (VCV000329360.16), dbSNP rs376894084, ClinGen allele CA9461044.